The following is an entry in ClinVar:

ClinVar aggregate classification (germline): Pathogenic/Likely pathogenic. Review status: criteria provided, multiple submitters, no conflicts (2 of 4 stars). 5 submissions from 5 submitters: Pathogenic (2); Likely pathogenic (2). 1 of the submissions does not count toward it. Last evaluated 2026-08-07.

Conditions:
Early-infantile DEE. Also called: Early infantile epileptic encephalopathy with suppression bursts; Early infantile epileptic encephalopathy; Ohtahara syndrome. Identifiers: Orphanet 1934, MedGen C0393706, MONDO:0800491.
Severe myoclonic epilepsy in infancy (DRVT). Also called: DEVELOPMENTAL AND EPILEPTIC ENCEPHALOPATHY 6A; Severe Myoclonic Epilepsy in Infancy (SMEI); Epileptic encephalopathy, early infantile, 6 (Dravet syndrome); SEVERE MYOCLONIC EPILEPSY OF INFANCY; Dravet syndrome. Identifiers: Orphanet 33069, MedGen C0751122, MONDO:0100135, OMIM 607208.
Inborn genetic diseases. Identifiers: MedGen C0950123, MeSH D030342.

Submissions (5):

Ambry Genetics
Classification: Likely pathogenic for Inborn genetic diseases. Last evaluated: 2026-08-07. Review status: criteria provided, single submitter. Criteria: Ambry Variant Classification Scheme 2023. Collection method: clinical testing. Allele origin: germline.
Comment: The c.4003G>A (p.V1335M) alteration is located in exon 21 (coding exon 21) of the SCN1A gene. This alteration results from a G to A substitution at nucleotide position 4003, causing the valine (V) at amino acid position 1335 to be replaced by a methionine (M). for SCN1A-related seizure disorders; however, its clinical significance for SCN1A-related hemiplegic migraine is uncertain. This variant was not reported in population-based cohorts in the Genome Aggregation Database (gnomAD). This variant has been reported in individual(s) with features consistent with SCN1A-related seizure disorders; in at least one individual, it was determined to be a de novo occurrence (Sun, 2008; Zucca, 2008; Silvennoinen, 2021). This amino acid position is highly conserved in available vertebrate species. This missense variant is located in a region that has a low rate of benign missense variation (Lek, 2016; Firth, 2009). This alteration is predicted to be deleterious by in silico analysis. Based on the available evidence, this alteration is classified as likely pathogenic.

GeneDx
Classification: Likely pathogenic. Last evaluated: 2025-06-16. Review status: criteria provided, single submitter. Criteria: GeneDx Variant Classification Process June 2021. Collection method: clinical testing. Allele origin: germline. Affected: yes.
Comment: In silico analysis supports that this missense variant has a deleterious effect on protein structure/function; Not observed at significant frequency in large population cohorts (gnomAD); This substitution is predicted to be within the intracellular loop between the S4 and S5 transmembrane segments of the third homologous domain; This variant is associated with the following publications: (PMID: 18804930, 24168886, 28150151, 20429905, 18413471, 19585586, 18554359, 34268891, 18554360)

Labcorp Genetics (formerly Invitae), Labcorp
Classification: Pathogenic for Early-infantile DEE. Last evaluated: 2024-01-03. Review status: criteria provided, single submitter. Criteria: Invitae Variant Classification Sherloc (09022015). Collection method: clinical testing. Allele origin: germline.
Comment: This sequence change replaces valine, which is neutral and non-polar, with methionine, which is neutral and non-polar, at codon 1335 of the SCN1A protein (p.Val1335Met). This variant is not present in population databases (gnomAD no frequency). This missense change has been observed in individual(s) with Dravet syndrome (PMID: 18413471, 18554359; Invitae). In at least one individual the variant was observed to be de novo. ClinVar contains an entry for this variant (Variation ID: 68535). An algorithm developed to predict the effect of missense changes on protein structure and function (PolyPhen-2) suggests that this variant is likely to be disruptive. For these reasons, this variant has been classified as Pathogenic.

Center for Bioinformatics, Peking University
Classification: Pathogenic for Dravet syndrome. Last evaluated: 2014-12-20. Review status: criteria provided, single submitter. Criteria: Xu et al. (Hum Mutat. 2015). Collection method: research. Allele origin: de novo. Affected: yes. Observed: 1 variant allele. Study: University Clinical Cooperation “985 Project” PKU-2014-1-1.
Comment: Dravet syndrome (DS) probands were recruited from the outpatient and inpatient child neurology units of Peking University First Hospital from 2005 till present. The study was approved by the Ethics Committee of Peking University First Hospital and the Institutional Review Board at Peking University. Participants or their parents provided written informed consent before enrollment. We collected a total of 267 mutations from 255 families with probands diagnosed with DS in China. All probands fulfilled the clinical diagnostic criteria.

UniProtKB/Swiss-Prot
No classification provided. Condition: Severe myoclonic epilepsy in infancy. Review status: no classification provided. Collection method: not provided. Allele origin: unknown. Not counted in ClinVar's aggregate classification.

Literature cited by the submitters: PubMed 18413471 (cited by Ambry Genetics and Labcorp Genetics (formerly Invitae), Labcorp); PubMed 18554359 (cited by Ambry Genetics and Labcorp Genetics (formerly Invitae), Labcorp); PubMed 34268891 (cited by Ambry Genetics).

NM_001165963.4(SCN1A):c.4003G>A (p.Val1335Met)

Genes: SCN1A (sodium voltage-gated channel alpha subunit 1; minus strand), LOC102724058 (uncharacterized LOC102724058; plus strand). Cytogenetic location: 2q24.3.
Variant type: single nucleotide variant.
Coding change: c.4003G>A on transcript NM_001165963.4 (MANE Select); coding-DNA position 4003, G replaced by A.
Protein change: p.Val1335Met; replaces valine 1335 with methionine.
Molecular consequence: missense variant. On other transcripts: non-coding transcript variant (1).
Genome position (GRCh38, 1-based): chr2:166,002,753, C>T on the plus strand (G>A on the coding strand, the complement: SCN1A is on the minus strand). VCF-style: chr2-166002753-C-T. GRCh37 (hg19) VCF-style: chr2-166859263-C-T.
Other names: c.3919G>A, p.Val1307Met (NM_001165964.3, NM_001353957.2, NM_001353958.2); c.4003G>A, p.Val1335Met (NM_001202435.3, NM_001353948.2); c.3970G>A, p.Val1324Met (NM_001353949.2, NM_001353950.2, NM_001353951.2 and 2 more transcripts); c.3967G>A, p.Val1323Met (NM_001353954.2, NM_001353955.2); c.3916G>A, p.Val1306Met (NM_001353960.2); c.1561G>A, p.Val521Met (NM_001353961.2); short protein forms V1324M, V1335M, V1323M, V1306M, V1307M, V521M.
Identifiers: ClinVar variation 68535 (VCV000068535.14), dbSNP rs121917960, ClinGen allele CA284934.